The following is an entry in ClinVar:

NM_001042492.3(NF1):c.421del (p.Val141fs)

Gene: NF1 (neurofibromin 1; plus strand). Cytogenetic location: 17q11.2.
Variant type: Deletion.
Coding change: c.421del on transcript NM_001042492.3 (MANE Select); coding-DNA position 421, one base deleted (G; older notation c.421delG).
Protein change: p.Val141fs; shifts the reading frame from valine 141.
Molecular consequence: frameshift variant.
Genome position (GRCh38, 1-based): chr17:31,163,318, G deleted; the last of 4 consecutive G bases (chr17:31,163,315-31,163,318); deleting any one gives the same sequence. VCF-style (leftmost placement, unchanged base first): chr17-31163314-TG-T. GRCh37 (hg19) VCF-style: chr17-29490332-TG-T.
Other names: c.421delG (NM_000267.3); c.421delG, p.Val141Phefs (NM_000267.4, NM_001042492.2); c.421del, p.Val141fs (NM_001128147.3); short protein forms V141fs.
Identifiers: ClinVar variation 428999 (VCV000428999.10), dbSNP rs1131691119, ClinGen allele CA645369715.

ClinVar aggregate classification (germline): Pathogenic. Review status: criteria provided, multiple submitters, no conflicts (2 of 4 stars). 3 submissions from 3 submitters: Pathogenic (3). Last evaluated 2023-11-25.

Conditions:
Neurofibromatosis, type 1 (NF1). Also called: Neurofibromatosis, type I; NEUROFIBROMATOSIS, TYPE I, SOMATIC; Peripheral type neurofibromatosis; VON RECKLINGHAUSEN DISEASE. Identifiers: Orphanet 636, MedGen C0027831, MONDO:0018975, OMIM 162200. Disease mechanism: loss of function.
Hereditary cancer-predisposing syndrome. Also called: Hereditary neoplastic syndrome; Tumor predisposition; Neoplastic Syndromes, Hereditary; Hereditary Cancer Syndrome. Identifiers: Orphanet 140162, MedGen C0027672, MeSH D009386, MONDO:0015356.
Cardiovascular phenotype. Identifiers: MedGen CN230736.

Submissions (3):

Labcorp Genetics (formerly Invitae), Labcorp
Classification: Pathogenic for Neurofibromatosis, type 1. Last evaluated: 2023-11-25. Review status: criteria provided, single submitter. Criteria: Invitae Variant Classification Sherloc (09022015). Collection method: clinical testing. Allele origin: germline.
Comment: This sequence change creates a premature translational stop signal (p.Val141Phefs*24) in the NF1 gene. It is expected to result in an absent or disrupted protein product. Loss-of-function variants in NF1 are known to be pathogenic (PMID: 10712197, 23913538). This variant is not present in population databases (gnomAD no frequency). This variant has not been reported in the literature in individuals affected with NF1-related conditions. ClinVar contains an entry for this variant (Variation ID: 428999). For these reasons, this variant has been classified as Pathogenic.

KCCC/NGS Laboratory, Kuwait Cancer Control Center
Classification: Pathogenic for Neurofibromatosis, type 1. Last evaluated: 2023-11-13. Review status: criteria provided, single submitter. Criteria: ACMG Guidelines, 2015. Collection method: clinical testing. Allele origin: germline. Inheritance: Autosomal dominant inheritance. Affected: yes. Observed: 1 heterozygote.
Comment: A known pathogenic variant was detected in the NF1 gene (c.421delG). pathogenic mutation, located in coding exon 4 of the NF1 gene, results from a deletion of one nucleotide at nucleotide position 421. This sequence change creates a premature translational stop signal (p.V141Ffs*24) in the NF1 gene. It is expected to result in an absent or disrupted protein product. Loss-of-function variants in NF1 are known to be pathogenic (PMID: 10712197, 23913538). This variant is not present in population databases (ExAC no frequency). This variant has not been reported in the literature in individuals with NF1-related conditions. Therefore, this variant has been classified as Pathogenic. This variant has been confirmed by Sanger sequencing.

Ambry Genetics
Classification: Pathogenic for Cardiovascular phenotype; Hereditary cancer-predisposing syndrome. Last evaluated: 2016-06-15. Review status: criteria provided, single submitter. Criteria: Ambry Variant Classification Scheme 2023. Collection method: clinical testing. Allele origin: germline.
Comment: The c.421delG pathogenic mutation, located in coding exon 4 of the NF1 gene, results from a deletion of one nucleotide at nucleotide position 421, causing a translational frameshift with a predicted alternate stop codon (p.V141Ffs*24). Since frameshifts are typically deleterious in nature, this alteration is interpreted as a disease-causing mutation (ACMG Recommendations for Standards for Interpretation and Reporting of Sequence Variations. Revision 2007. Genet Med. 2008;10:294).

Literature cited by the submitters: PubMed 10712197 (cited by Labcorp Genetics (formerly Invitae), Labcorp); PubMed 23913538 (cited by Labcorp Genetics (formerly Invitae), Labcorp).